The following is an entry in ClinVar:

NM_001145809.2(MYH14):c.945G>T (p.Leu315=)

Genes: MYH14 (myosin heavy chain 14; plus strand), LOC121852992 (Sharpr-MPRA regulatory region 11309; plus strand). Cytogenetic location: 19q13.33.
Variant type: single nucleotide variant.
Coding change: c.945G>T on transcript NM_001145809.2 (MANE Select); coding-DNA position 945, G replaced by T.
Protein change: p.Leu315=; no amino-acid change (leucine 315 retained).
Molecular consequence: synonymous variant.
Genome position (GRCh38, 1-based): chr19:50,230,595, G>T. VCF-style: chr19-50230595-G-T. GRCh37 (hg19) VCF-style: chr19-50733852-G-T.
Other names: c.945G>T, p.Leu315= (NM_001077186.2); c.921G>T, p.Leu307= (NM_024729.4).
Identifiers: ClinVar variation 1800778 (VCV001800778.1), dbSNP rs528002710, ClinGen allele CA508176205.

ClinVar aggregate classification (germline): Uncertain significance (1 of 4 stars; one submission).

Allele frequency attached by ClinVar (database versions not stated): TOPMed 0.00001.
gnomAD v4.1: 14 of 1,566,258 alleles (0.00089%); highest among the groups gnomAD compares: Admixed American, 0.0038%; no homozygotes.

Submission:

GeneDx
Classification: Uncertain significance. Last evaluated: 2022-11-15. Review status: criteria provided, single submitter. Criteria: GeneDx Variant Classification Process June 2021. Collection method: clinical testing. Allele origin: germline. Affected: yes.
Comment: In silico analysis supports that this variant does not alter splicing; Has not been previously published as pathogenic or benign to our knowledge